The following is an entry in ClinVar:

ClinVar aggregate classification (germline): Uncertain significance (1 of 4 stars; one submission).

Allele frequency attached by ClinVar (database versions not stated): TOPMed below 0.00001.
gnomAD v4.1: 1 of 1,613,802 alleles (0.000062%); highest among the groups gnomAD compares: Non-Finnish European, 0.000085%; no homozygotes.

Submission:

GeneDx
Classification: Uncertain significance. Last evaluated: 2023-06-22. Review status: criteria provided, single submitter. Criteria: GeneDx Variant Classification Process June 2021. Collection method: clinical testing. Allele origin: germline.
Comment: Not observed at significant frequency in large population cohorts (gnomAD); In silico analysis supports that this missense variant has a deleterious effect on protein structure/function; Has not been previously published as pathogenic or benign to our knowledge

NM_012154.5(AGO2):c.314C>T (p.Pro105Leu)

Gene: AGO2 (argonaute RISC catalytic component 2; minus strand). Cytogenetic location: 8q24.3.
Variant type: single nucleotide variant.
Coding change: c.314C>T on transcript NM_012154.5 (MANE Select); coding-DNA position 314, C replaced by T.
Protein change: p.Pro105Leu; replaces proline 105 with leucine.
Molecular consequence: missense variant.
Genome position (GRCh38, 1-based): chr8:140,572,834, G>A on the plus strand (C>T on the coding strand, the complement: AGO2 is on the minus strand). VCF-style: chr8-140572834-G-A. GRCh37 (hg19) VCF-style: chr8-141582933-G-A.
Other names: c.314C>T, p.Pro105Leu (NM_001164623.3); short protein forms P105L.
Identifiers: ClinVar variation 1707745 (VCV001707745.3), dbSNP rs2073403030, ClinGen allele CA372325498.